The following is an entry in ClinVar:

ClinVar aggregate classification (germline): Uncertain significance (1 of 4 stars; one submission).

Allele frequency attached by ClinVar (database versions not stated): gnomAD exomes below 0.00001; ExAC 0.00001.
gnomAD v4.1: 1 of 1,613,940 alleles (0.000062%); highest among the groups gnomAD compares: Admixed American, 0.0017%; no homozygotes.

Submission:

Labcorp Genetics (formerly Invitae), Labcorp
Classification: Uncertain significance. Last evaluated: 2021-12-16. Review status: criteria provided, single submitter. Criteria: Invitae Variant Classification Sherloc (09022015). Collection method: clinical testing. Allele origin: germline.
Comment: In summary, the available evidence is currently insufficient to determine the role of this variant in disease. Therefore, it has been classified as a Variant of Uncertain Significance. Algorithms developed to predict the effect of missense changes on protein structure and function (SIFT, PolyPhen-2, Align-GVGD) all suggest that this variant is likely to be disruptive. This variant has not been reported in the literature in individuals affected with VCAN-related conditions. The frequency data for this variant in the population databases is considered unreliable, as metrics indicate poor data quality at this position in the gnomAD database. This sequence change replaces glycine, which is neutral and non-polar, with serine, which is neutral and polar, at codon 1432 of the VCAN protein (p.Gly1432Ser).

NM_004385.5(VCAN):c.4294G>A (p.Gly1432Ser)

Genes: VCAN (versican; plus strand), VCAN-AS1 (VCAN antisense RNA 1; minus strand). Cytogenetic location: 5q14.3.
Variant type: single nucleotide variant.
Coding change: c.4294G>A on transcript NM_004385.5 (MANE Select); coding-DNA position 4294, G replaced by A.
Protein change: p.Gly1432Ser; replaces glycine 1432 with serine.
Molecular consequence: missense variant. On other transcripts: intron variant (2).
Genome position (GRCh38, 1-based): chr5:83,537,297, G>A. VCF-style: chr5-83537297-G-A. GRCh37 (hg19) VCF-style: chr5-82833116-G-A.
Other names: c.1333G>A, p.Gly445Ser (NM_001164097.2); c.4004-8240G>A (NM_001164098.2); c.1043-8240G>A (NM_001126336.3); short protein forms G445S, G1432S.
Identifiers: ClinVar variation 2044446 (VCV002044446.4), dbSNP rs771867629, ClinGen allele CA3333147.